The following is an entry in ClinVar:

ClinVar aggregate classification (germline): Conflicting classifications of pathogenicity. Review status: criteria provided, conflicting classifications (1 of 4 stars). 3 submissions from 3 submitters: Uncertain significance (1); Benign (1). 1 of the submissions does not count toward it. Last evaluated 2026-01-20.

Conditions:
LEMD3-related disorder. Also called: LEMD3-related condition.

Allele frequency attached by ClinVar (database versions not stated): gnomAD exomes 0.00037; ExAC 0.00047; 1000 Genomes Project 0.00100; ESP Exome Variant Server 0.00146; gnomAD 0.00156 and 0.00167; TOPMed 0.00156; 1000 Genomes Project 30x 0.00187.
gnomAD v4.1: 431 of 1,613,690 alleles (0.027%); highest among the groups gnomAD compares: African/African-American, 0.54%; no homozygotes.

Submissions (3):

Labcorp Genetics (formerly Invitae), Labcorp
Classification: Benign. Last evaluated: 2026-01-20. Review status: criteria provided, single submitter. Criteria: Invitae Variant Classification Sherloc (09022015). Collection method: clinical testing. Allele origin: germline.

Eurofins Ntd Llc (ga)
Classification: Uncertain significance. Last evaluated: 2015-07-28. Review status: criteria provided, single submitter. Criteria: EGL Classification Definitions 2015. Collection method: clinical testing. Allele origin: germline. Observed: 1 variant allele, 1 heterozygote.

PreventionGenetics, part of Exact Sciences
Classification: Benign for LEMD3-related condition. Last evaluated: 2019-02-21. Review status: no assertion criteria provided. Collection method: clinical testing. Allele origin: germline. Not counted in ClinVar's aggregate classification.
Comment: This variant is classified as benign based on ACMG/AMP sequence variant interpretation guidelines (Richards et al. 2015 PMID: 25741868, with internal and published modifications).

NM_014319.5(LEMD3):c.862C>G (p.Arg288Gly)

Gene: LEMD3 (LEM domain containing 3; plus strand). Cytogenetic location: 12q14.3.
Variant type: single nucleotide variant.
Coding change: c.862C>G on transcript NM_014319.5 (MANE Select); coding-DNA position 862, C replaced by G.
Protein change: p.Arg288Gly; replaces arginine 288 with glycine.
Molecular consequence: missense variant.
Genome position (GRCh38, 1-based): chr12:65,170,458, C>G. VCF-style: chr12-65170458-C-G. GRCh37 (hg19) VCF-style: chr12-65564238-C-G.
Other names: c.862C>G, p.Arg288Gly (NM_001167614.2); short protein forms R288G.
Identifiers: ClinVar variation 281762 (VCV000281762.18), dbSNP rs144086377, ClinGen allele CA6670780.